The following is an entry in ClinVar:

NM_006734.4(HIVEP2):c.3321G>C (p.Gln1107His)

Gene: HIVEP2 (HIVEP zinc finger 2; minus strand). Cytogenetic location: 6q24.2.
Variant type: single nucleotide variant.
Coding change: c.3321G>C on transcript NM_006734.4 (MANE Select); coding-DNA position 3321, G replaced by C.
Protein change: p.Gln1107His; replaces glutamine 1107 with histidine.
Molecular consequence: missense variant.
Genome position (GRCh38, 1-based): chr6:142,771,418, C>G on the plus strand (G>C on the coding strand, the complement: HIVEP2 is on the minus strand). VCF-style: chr6-142771418-C-G. GRCh37 (hg19) VCF-style: chr6-143092555-C-G.
Other names: c.3321G>C (NM_006734.3); short protein forms Q1107H.
Identifiers: ClinVar variation 1972835 (VCV001972835.6), dbSNP rs375295171, ClinGen allele CA4028279.

ClinVar aggregate classification (germline): Benign/Likely benign. Review status: criteria provided, multiple submitters, no conflicts (2 of 4 stars). 2 submissions from 2 submitters: Benign (1); Likely benign (1). Last evaluated 2025-10-23.

Conditions:
HIVEP2-related disorder. Also called: HIVEP2-related condition.

Allele frequency attached by ClinVar (database versions not stated): gnomAD exomes 0.00002; ExAC 0.00008; ESP Exome Variant Server 0.00008; gnomAD 0.00014; TOPMed 0.00014.
gnomAD v4.1: 50 of 1,613,380 alleles (0.0031%); highest among the groups gnomAD compares: African/African-American, 0.037%; no homozygotes.

Submissions (2):

PreventionGenetics, part of Exact Sciences
Classification: Likely benign for HIVEP2-related condition. Last evaluated: 2025-10-23. Review status: criteria provided, single submitter. Criteria: ACMG Guidelines, 2015. Collection method: clinical testing. Allele origin: germline.
Comment: This variant is classified as likely benign based on ACMG/AMP sequence variant interpretation guidelines (Richards et al. 2015 PMID: 25741868, with internal and published modifications).

Labcorp Genetics (formerly Invitae), Labcorp
Classification: Benign. Last evaluated: 2025-03-23. Review status: criteria provided, single submitter. Criteria: Invitae Variant Classification Sherloc (09022015). Collection method: clinical testing. Allele origin: germline.